The following is an entry in ClinVar:

NM_000094.4(COL7A1):c.8156G>A (p.Gly2719Asp)

Gene: COL7A1 (collagen type VII alpha 1 chain; minus strand). Cytogenetic location: 3p21.31.
Variant type: single nucleotide variant.
Coding change: c.8156G>A on transcript NM_000094.4 (MANE Select); coding-DNA position 8156, G replaced by A.
Protein change: p.Gly2719Asp; replaces glycine 2719 with aspartic acid.
Molecular consequence: missense variant.
Genome position (GRCh38, 1-based): chr3:48,566,977, C>T on the plus strand (G>A on the coding strand, the complement: COL7A1 is on the minus strand). VCF-style: chr3-48566977-C-T. GRCh37 (hg19) VCF-style: chr3-48604410-C-T.
Other names: short protein forms G2719D.
Identifiers: ClinVar variation 931389 (VCV000931389.3), dbSNP rs1164917118, ClinGen allele CA352639976.

ClinVar aggregate classification (germline): Pathogenic (1 of 4 stars; one submission).

Conditions:
Epidermolysis bullosa pruriginosa. Also called: DEB, PRURIGINOSA; DYSTROPHIC EPIDERMOLYSIS BULLOSA PRURIGINOSA. Identifiers: Orphanet 89843, MedGen C1275114, MONDO:0011398, OMIM 604129.

Submission:

Centre for Mendelian Genomics, University Medical Centre Ljubljana
Classification: Pathogenic for Epidermolysis bullosa pruriginosa. Last evaluated: 2018-11-22. Review status: criteria provided, single submitter. Criteria: ACMG Guidelines, 2015. Collection method: clinical testing. Allele origin: unknown. Affected: yes.
Comment: This variant was classified as: Pathogenic. The following ACMG criteria were applied in classifying this variant: PS1,PM1,PM2,PP2,PP3,PP4.